The following is an entry in ClinVar:

ClinVar aggregate classification (germline): Uncertain significance (1 of 4 stars; one submission).

Submission:

Women's Health and Genetics/Laboratory Corporation of America, LabCorp
Classification: Uncertain significance. Last evaluated: 2022-12-19. Review status: criteria provided, single submitter. Criteria: LabCorp Variant Classification Summary - May 2015. Collection method: clinical testing. Allele origin: germline.
Comment: Variant summary: The variant identified by MLPA or other technology involves a large deletion located in the untranslated mRNA region of the canonical transcript (NM_173660), downstream of the termination codon in the DOK7 gene. A presumed nomenclature of c.(?_*2670)_(*14056_?)del has been designated for the purposes of this classification. Although the variant does not affect the coding sequence of the canonical transcript, it causes the deletion of the last 3 exons (i.e. exons 8-10) in an alternate transcript (NM_001301071). No pathogenic variants within this genomic region have been reported in ClinVar or other online databases (e.g. HGMD, LOVD). The variant was absent in 21694 control chromosomes (gnomAD, Structural Variants dataset). To our knowledge, no occurrence of c.(?_*2670)_(*14056_?)del in individuals affected with Congenital Myasthenic Syndrome and no experimental evidence demonstrating its impact on protein function have been reported. No clinical diagnostic laboratories have submitted clinical-significance assessments for this variant to ClinVar after 2014. Based on the evidence outlined above, the variant was classified as uncertain significance.

NM_173660.4:c.(?_*2670)_(*14056_?)del

Gene: DOK7 (docking protein 7; plus strand).
Variant type: Deletion.
Identifiers: ClinVar variation 1878347 (VCV001878347.1).